The following is an entry in ClinVar:

NM_001042681.2(RERE):c.3562_3564del (p.Lys1188del)

Gene: RERE (arginine-glutamic acid dipeptide repeats; minus strand). Cytogenetic location: 1p36.23.
Variant type: Deletion.
Coding change: c.3562_3564del on transcript NM_001042681.2 (MANE Select); coding-DNA positions 3562 to 3564, 3 bases deleted (AAG; older notation c.3562_3564delAAG).
Protein change: p.Lys1188del; deletes lysine 1188.
Molecular consequence: inframe deletion.
Genome position (GRCh38, 1-based): chr1:8,359,818-8,359,820, CTT deleted on the plus strand (AAG on the coding strand, the reverse complement: RERE is on the minus strand); deleting any 3 consecutive bases within chr1:8,359,818-8,359,822 gives the same sequence; the c. name uses the placement nearest the transcript's 3' end. VCF-style (leftmost placement, unchanged base first): chr1-8359817-CCTT-C. GRCh37 (hg19) VCF-style: chr1-8419877-CCTT-C.
Other names: c.1900_1902del, p.Lys634del (NM_001042682.2); c.3562_3564del, p.Lys1188del (NM_012102.4); short protein forms K1188del, K634del.
Identifiers: ClinVar variation 2120005 (VCV002120005.4), dbSNP rs758747347, ClinGen allele CA2568213345.

ClinVar aggregate classification (germline): Uncertain significance (1 of 4 stars; one submission).

Submission:

Labcorp Genetics (formerly Invitae), Labcorp
Classification: Uncertain significance. Last evaluated: 2022-09-01. Review status: criteria provided, single submitter. Criteria: Invitae Variant Classification Sherloc (09022015). Collection method: clinical testing. Allele origin: germline.
Comment: This variant, c.3562_3564del, results in the deletion of 1 amino acid(s) of the RERE protein (p.Lys1188del), but otherwise preserves the integrity of the reading frame. This variant is not present in population databases (gnomAD no frequency). This variant has not been reported in the literature in individuals affected with RERE-related conditions. Experimental studies and prediction algorithms are not available or were not evaluated, and the functional significance of this variant is currently unknown. In summary, the available evidence is currently insufficient to determine the role of this variant in disease. Therefore, it has been classified as a Variant of Uncertain Significance.